The following is an entry in ClinVar:

ClinVar aggregate classification (germline): Uncertain significance (1 of 4 stars; one submission).

Conditions:
Neuropathy, hereditary sensory and autonomic, type 2A (HSAN2A). Also called: ACROOSTEOLYSIS, GIACCAI TYPE; ACROOSTEOLYSIS, NEUROGENIC; WNK1-Related HSAN2 (HSAN2A); NEUROPATHY, HEREDITARY SENSORY RADICULAR, AUTOSOMAL RECESSIVE; MORVAN DISEASE; NEUROPATHY, CONGENITAL SENSORY. Identifiers: Orphanet 970, MedGen C2752089, MONDO:0024309, OMIM 201300.
Generalized epilepsy with febrile seizures plus, type 7 (GEFSP7). Also called: GEFS+, TYPE 7. Identifiers: Orphanet 36387, MedGen C2751778, MONDO:0013470, OMIM 613863.

Submission:

Labcorp Genetics (formerly Invitae), Labcorp
Classification: Uncertain significance for Neuropathy, hereditary sensory and autonomic, type 2A; Generalized epilepsy with febrile seizures plus, type 7. Last evaluated: 2025-09-08. Review status: criteria provided, single submitter. Criteria: Invitae Variant Classification Sherloc (09022015). Collection method: clinical testing. Allele origin: germline.
Comment: This sequence change replaces cysteine, which is neutral and slightly polar, with serine, which is neutral and polar, at codon 324 of the SCN9A protein (p.Cys324Ser). This variant is not present in population databases (gnomAD no frequency). This variant has not been reported in the literature in individuals affected with SCN9A-related conditions. Invitae Evidence Modeling of protein sequence and biophysical properties (such as structural, functional, and spatial information, amino acid conservation, physicochemical variation, residue mobility, and thermodynamic stability) has been performed for this missense variant. However, the output from this modeling did not meet the statistical confidence thresholds required to predict the impact of this variant on SCN9A protein function. In summary, the available evidence is currently insufficient to determine the role of this variant in disease. Therefore, it has been classified as a Variant of Uncertain Significance.

NM_001365536.1(SCN9A):c.970T>A (p.Cys324Ser)

Genes: SCN9A (sodium voltage-gated channel alpha subunit 9; minus strand), SCN1A-AS1 (SCN1A and SCN9A antisense RNA 1; plus strand). Cytogenetic location: 2q24.3.
Variant type: single nucleotide variant.
Coding change: c.970T>A on transcript NM_001365536.1 (MANE Select); coding-DNA position 970, T replaced by A.
Protein change: p.Cys324Ser; replaces cysteine 324 with serine.
Molecular consequence: missense variant.
Genome position (GRCh38, 1-based): chr2:166,293,368, A>T on the plus strand (T>A on the coding strand, the complement: SCN9A is on the minus strand). VCF-style: chr2-166293368-A-T. GRCh37 (hg19) VCF-style: chr2-167149878-A-T.
Other names: c.970T>A, p.Cys324Ser (NM_002977.4); short protein forms C324S.
Identifiers: ClinVar variation 4783441 (VCV004783441.1).